The following is an entry in ClinVar:

NM_018249.6(CDK5RAP2):c.2788A>T (p.Asn930Tyr)

Gene: CDK5RAP2 (CDK5 regulatory subunit associated protein 2; minus strand). Cytogenetic location: 9q33.2.
Variant type: single nucleotide variant.
Coding change: c.2788A>T on transcript NM_018249.6 (MANE Select); coding-DNA position 2788, A replaced by T.
Protein change: p.Asn930Tyr; replaces asparagine 930 with tyrosine.
Molecular consequence: missense variant. On other transcripts: non-coding transcript variant (5), intron variant (1).
Genome position (GRCh38, 1-based): chr9:120,453,461, T>A on the plus strand (A>T on the coding strand, the complement: CDK5RAP2 is on the minus strand). VCF-style: chr9-120453461-T-A. GRCh37 (hg19) VCF-style: chr9-123215739-T-A.
Other names: c.2788A>T, p.Asn930Tyr (NM_001011649.3); c.2104-5335A>T (NM_001272039.2); short protein forms N930Y.
Identifiers: ClinVar variation 1029685 (VCV001029685.1), dbSNP rs1347787448, ClinGen allele CA374698272.

ClinVar aggregate classification (germline): Uncertain significance (1 of 4 stars; one submission).

Conditions:
Microcephaly 3, primary, autosomal recessive. Identifiers: Orphanet 2512, MedGen C1858108, MONDO:0011488, OMIM 604804.

Submission:

Baylor Genetics
Classification: Uncertain significance for Microcephaly 3, primary, autosomal recessive. Last evaluated: 2020-11-05. Review status: criteria provided, single submitter. Criteria: ACMG Guidelines, 2015. Collection method: clinical testing. Allele origin: unknown. Affected: yes.
Comment: This variant was determined to be of uncertain significance according to ACMG Guidelines, 2015 [PMID:25741868].